The following is an entry in ClinVar:

NM_020207.7(ERCC6L2):c.1499C>T (p.Thr500Ile)

Gene: ERCC6L2 (ERCC excision repair 6 like 2; plus strand). Cytogenetic location: 9q22.32.
Variant type: single nucleotide variant.
Coding change: c.1499C>T on transcript NM_020207.7 (MANE Select); coding-DNA position 1499, C replaced by T.
Protein change: p.Thr500Ile; replaces threonine 500 with isoleucine.
Molecular consequence: missense variant. On other transcripts: non-coding transcript variant (1).
Genome position (GRCh38, 1-based): chr9:95,923,345, C>T. VCF-style: chr9-95923345-C-T. GRCh37 (hg19) VCF-style: chr9-98685627-C-T.
Other names: c.1499C>T, p.Thr500Ile (NM_001010895.4, NM_001375291.1, NM_001375292.1 and 2 more transcripts); short protein forms T500I.
Identifiers: ClinVar variation 4870576 (VCV004870576.1).

ClinVar aggregate classification (germline): Uncertain significance (1 of 4 stars; one submission).

Conditions:
Inborn genetic diseases. Identifiers: MedGen C0950123, MeSH D030342.

Submission:

Ambry Genetics
Classification: Uncertain significance for Inborn genetic diseases. Last evaluated: 2026-03-23. Review status: criteria provided, single submitter. Criteria: Ambry Variant Classification Scheme 2023. Collection method: clinical testing. Allele origin: germline.
Comment: The p.T500I variant (also known as c.1499C>T), located in coding exon 9 of the ERCC6L2 gene, results from a C to T substitution at nucleotide position 1499. The threonine at codon 500 is replaced by isoleucine, an amino acid with similar properties. This amino acid position is conserved. In addition, the in silico prediction for this alteration is inconclusive. Based on the available evidence, the clinical significance of this variant remains unclear.